The following is an entry in ClinVar:

ClinVar aggregate classification (germline): Uncertain significance. Review status: criteria provided, multiple submitters, no conflicts (2 of 4 stars). 2 submissions from 2 submitters: Uncertain significance (2). Last evaluated 2025-09-10.

Conditions:
Luscan-Lumish syndrome. Identifiers: Orphanet 597738, MedGen C4085873, MONDO:0014791, OMIM 616831.

Allele frequency attached by ClinVar (database versions not stated): gnomAD exomes 0.00001; TOPMed 0.00001.
gnomAD v4.1: 11 of 1,611,404 alleles (0.00068%); highest among the groups gnomAD compares: Middle Eastern, 0.099%; no homozygotes.

Submissions (2):

Genomic Medicine Center of Excellence, King Faisal Specialist Hospital and Research Centre
Classification: Uncertain significance for Luscan-Lumish syndrome. Last evaluated: 2025-09-10. Review status: criteria provided, single submitter. Criteria: ACMG Guidelines, 2015. Collection method: clinical testing. Allele origin: germline.

Dubai Health Genomic Medicine Center, Dubai Health
Classification: Uncertain significance. Last evaluated: 2020-04-06. Review status: criteria provided, single submitter. Criteria: ACMG Guidelines, 2015. Collection method: clinical testing. Allele origin: germline. Affected: yes.
Comment: The p.Met2449Thr missense variant in STED2 has not been previously reported in individuals with disease and is absent from large population studies such as the Genome Aggregation Database (gnomAD) and the Greater Middle East (GME) Variome Database. Computational prediction tools and conservation analysis do no provide strong evidence for or against pathogenicity. In summary more information is needed to fully to assessthe clinical significance of this variant.

NM_014159.7(SETD2):c.7346T>C (p.Met2449Thr)

Gene: SETD2 (SET domain containing 2, histone lysine methyltransferase; minus strand). Cytogenetic location: 3p21.31.
Variant type: single nucleotide variant.
Coding change: c.7346T>C on transcript NM_014159.7 (MANE Select); coding-DNA position 7346, T replaced by C.
Protein change: p.Met2449Thr; replaces methionine 2449 with threonine.
Molecular consequence: missense variant. On other transcripts: non-coding transcript variant (1).
Genome position (GRCh38, 1-based): chr3:47,037,670, A>G on the plus strand (T>C on the coding strand, the complement: SETD2 is on the minus strand). VCF-style: chr3-47037670-A-G. GRCh37 (hg19) VCF-style: chr3-47079160-A-G.
Other names: c.7214T>C, p.Met2405Thr (NM_001349370.3); short protein forms M2405T, M2449T.
Identifiers: ClinVar variation 1301705 (VCV001301705.3), dbSNP rs559045162, ClinGen allele CA352512127.